The following is an entry in ClinVar:

ClinVar aggregate classification (germline): Uncertain significance (1 of 4 stars; one submission).

Submission:

Labcorp Genetics (formerly Invitae), Labcorp
Classification: Uncertain significance. Last evaluated: 2022-02-24. Review status: criteria provided, single submitter. Criteria: Invitae Variant Classification Sherloc (09022015). Collection method: clinical testing. Allele origin: germline.
Comment: This variant results in a copy number gain of the genomic region encompassing exon(s) 2 of the TMEM126A gene. This region includes the initiator codon of the gene. This copy number gain extends beyond the assayed region for this gene and therefore may encompass additional genes. As the precise location of this event is unknown, it may be in tandem or it may be located elsewhere in the genome. This variant has not been reported in the literature in individuals affected with TMEM126A-related conditions. Experimental studies and prediction algorithms are not available or were not evaluated, and the functional significance of this variant is currently unknown. In summary, the available evidence is currently insufficient to determine the role of this variant in disease. Therefore, it has been classified as a Variant of Uncertain Significance.

NC_000011.9:g.(?_85361300)_(85361405_?)dup

Gene: TMEM126A (transmembrane protein 126A; plus strand). Cytogenetic location: 11q14.1.
Variant type: Duplication.
Identifiers: ClinVar variation 1025366 (VCV001025366.5).